The following is an entry in ClinVar:

NM_001283009.2(RTEL1):c.3124C>T (p.Gln1042Ter)

Genes: RTEL1 (regulator of telomere elongation helicase 1; plus strand), RTEL1-TNFRSF6B (RTEL1-TNFRSF6B readthrough (NMD candidate); plus strand). Cytogenetic location: 20q13.33.
Variant type: single nucleotide variant.
Coding change: c.3124C>T on transcript NM_001283009.2 (MANE Select); coding-DNA position 3124, C replaced by T.
Protein change: p.Gln1042Ter; replaces glutamine 1042 with a stop codon.
Molecular consequence: nonsense. On other transcripts: non-coding transcript variant (1).
Genome position (GRCh38, 1-based): chr20:63,694,755, C>T. VCF-style: chr20-63694755-C-T. GRCh37 (hg19) VCF-style: chr20-62326108-C-T.
Other names: c.2455C>T, p.Gln819Ter (NM_001283010.1); c.3124C>T, p.Gln1042Ter (NM_016434.4); c.3196C>T, p.Gln1066Ter (NM_032957.5); short protein forms Q1066*, Q1042*, Q819*.
Identifiers: ClinVar variation 1453809 (VCV001453809.6), dbSNP rs929898540, ClinGen allele CA409684794.

ClinVar aggregate classification (germline): Pathogenic (1 of 4 stars; one submission).

Conditions:
Pulmonary fibrosis and/or bone marrow failure, Telomere-related, 3. Also called: PULMONARY FIBROSIS AND/OR BONE MARROW FAILURE SYNDROME, TELOMERE-RELATED, 3. Identifiers: Orphanet 2032, MedGen C4225346, MONDO:0014613, OMIM 616373.
Dyskeratosis congenita, autosomal recessive 5 (DKCB5). Identifiers: MedGen C3554656, MONDO:0014076, OMIM 615190.

Submission:

Labcorp Genetics (formerly Invitae), Labcorp
Classification: Pathogenic for Dyskeratosis congenita, autosomal recessive 5; Pulmonary fibrosis and/or bone marrow failure, Telomere-related, 3. Last evaluated: 2021-03-12. Review status: criteria provided, single submitter. Criteria: Invitae Variant Classification Sherloc (09022015). Collection method: clinical testing. Allele origin: germline.
Comment: For these reasons, this variant has been classified as Pathogenic. This variant has not been reported in the literature in individuals with RTEL1-related conditions. This variant is not present in population databases (ExAC no frequency). This sequence change creates a premature translational stop signal (p.Gln1042*) in the RTEL1 gene. It is expected to result in an absent or disrupted protein product. Loss-of-function variants in RTEL1 are known to be pathogenic (PMID: 23453664, 23959892, 25607374).

Literature cited by the submitters: PubMed 23453664; PubMed 23959892; PubMed 25607374.